The following is an entry in ClinVar:

NM_001002295.2(GATA3):c.216G>T (p.Val72=)

Genes: GATA3 (GATA binding protein 3; plus strand), LOC130003278 (ATAC-STARR-seq lymphoblastoid silent region 2118; plus strand). Cytogenetic location: 10p14.
Variant type: single nucleotide variant.
Coding change: c.216G>T on transcript NM_001002295.2 (MANE Select); coding-DNA position 216, G replaced by T.
Protein change: p.Val72=; no amino-acid change (valine 72 retained).
Molecular consequence: synonymous variant.
Genome position (GRCh38, 1-based): chr10:8,055,871, G>T. VCF-style: chr10-8055871-G-T. GRCh37 (hg19) VCF-style: chr10-8097834-G-T.
Other names: c.216G>T, p.Val72= (NM_002051.3).
Identifiers: ClinVar variation 301119 (VCV000301119.44), dbSNP rs560531559, ClinGen allele CA5404299.

ClinVar aggregate classification (germline): Benign/Likely benign. Review status: criteria provided, multiple submitters, no conflicts (2 of 4 stars). 8 submissions from 8 submitters: Benign (3); Likely benign (4). 1 of the submissions does not count toward it. Last evaluated 2025-11-13.

Conditions:
Hypoparathyroidism, deafness, renal disease syndrome (HDRS). Also called: HYPOPARATHYROIDISM, SENSORINEURAL DEAFNESS, AND RENAL DYSPLASIA SYNDROME. Identifiers: Orphanet 2237, MedGen C1840333, MONDO:0007797, OMIM 146255.
GATA3-related disorder. Also called: GATA3-related condition.

Allele frequency attached by ClinVar (database versions not stated): TOPMed 0.00005; gnomAD 0.00006 and 0.00019; 1000 Genomes Project 0.00060; gnomAD exomes 0.00077; 1000 Genomes Project 30x 0.00094; ExAC 0.00194.
gnomAD v4.1: 486 of 1,568,256 alleles (0.031%); highest among the groups gnomAD compares: South Asian, 0.43%; 6 homozygotes.

Submissions (8):

Labcorp Genetics (formerly Invitae), Labcorp
Classification: Benign. Last evaluated: 2025-11-13. Review status: criteria provided, single submitter. Criteria: Invitae Variant Classification Sherloc (09022015). Collection method: clinical testing. Allele origin: germline.

CeGaT Center for Human Genetics Tuebingen
Classification: Likely benign. Last evaluated: 2024-12-01. Review status: criteria provided, single submitter. Criteria: CeGaT Center For Human Genetics Tuebingen Variant Classification Criteria Version 2. Collection method: clinical testing. Allele origin: germline. Affected: yes. Observed: 3 variant alleles.
Comment: GATA3: BP4, BP7

Blueprint Genetics
Classification: Likely benign. Last evaluated: 2024-11-27. Review status: criteria provided, single submitter. Criteria: ACMG Guidelines, 2015. Collection method: clinical testing. Allele origin: germline.

Genetic Services Laboratory, University of Chicago
Classification: Likely benign. Last evaluated: 2020-09-14. Review status: criteria provided, single submitter. Criteria: ACMG Guidelines, 2015. Collection method: clinical testing. Allele origin: germline. Affected: no.

Athena Diagnostics
Classification: Benign. Last evaluated: 2020-03-27. Review status: criteria provided, single submitter. Criteria: Athena Diagnostics Criteria. Collection method: clinical testing. Allele origin: unknown.

GeneDx
Classification: Likely benign. Last evaluated: 2019-04-05. Review status: criteria provided, single submitter. Criteria: GeneDx Variant Classification Process June 2021. Collection method: clinical testing. Allele origin: germline. Affected: yes.

Illumina Laboratory Services, Illumina
Classification: Benign for Hypoparathyroidism, deafness, renal disease syndrome. Last evaluated: 2018-01-12. Review status: criteria provided, single submitter. Criteria: ICSL Variant Classification Criteria 13 December 2019. Collection method: clinical testing. Allele origin: germline.
Comment: This variant was observed in the ICSL laboratory as part of a predisposition screen in an ostensibly healthy population. It had not been previously curated by ICSL or reported in the Human Gene Mutation Database (HGMD: prior to June 1st, 2018), and was therefore a candidate for classification through an automated scoring system. Utilizing variant allele frequency, disease prevalence and penetrance estimates, and inheritance mode, an automated score was calculated to assess if this variant is too frequent to cause the disease. Based on the score and internal cut-off values, a variant classified as benign is not then subjected to further curation. The score for this variant resulted in a classification of benign for this disease.

PreventionGenetics, part of Exact Sciences
Classification: Benign for GATA3-related condition. Last evaluated: 2020-03-17. Review status: no assertion criteria provided. Collection method: clinical testing. Allele origin: germline. Not counted in ClinVar's aggregate classification.
Comment: This variant is classified as benign based on ACMG/AMP sequence variant interpretation guidelines (Richards et al. 2015 PMID: 25741868, with internal and published modifications).